The following is an entry in ClinVar:

NM_000292.3(PHKA2):c.2077A>G (p.Ile693Val)

Gene: PHKA2 (phosphorylase kinase regulatory subunit alpha 2; minus strand). Cytogenetic location: Xp22.13.
Variant type: single nucleotide variant.
Coding change: c.2077A>G on transcript NM_000292.3 (MANE Select); coding-DNA position 2077, A replaced by G.
Protein change: p.Ile693Val; replaces isoleucine 693 with valine.
Molecular consequence: missense variant.
Genome position (GRCh38, 1-based): chrX:18,918,741, T>C on the plus strand (A>G on the coding strand, the complement: PHKA2 is on the minus strand). VCF-style: chrX-18918741-T-C. GRCh37 (hg19) VCF-style: chrX-18936859-T-C.
Other names: short protein forms I693V.
Identifiers: ClinVar variation 255771 (VCV000255771.19), dbSNP rs143732206, ClinGen allele CA10361736.

ClinVar aggregate classification (germline): Benign/Likely benign. Review status: criteria provided, multiple submitters, no conflicts (2 of 4 stars). 7 submissions from 7 submitters: Benign (5); Likely benign (1). 1 of the submissions does not count toward it. Last evaluated 2026-02-02.

Conditions:
Glycogen storage disease IXa1. Also called: GLYCOGEN STORAGE DISEASE VIII; GSD VIII; Glycogen storage disease 8; LIVER GLYCOGENOSIS, X-LINKED, TYPE I. Identifiers: Orphanet 264580, MedGen C3694531, MONDO:0010598, OMIM 306000.

Allele frequency attached by ClinVar (database versions not stated): 1000 Genomes Project 0.00477; 1000 Genomes Project 30x 0.00520; TOPMed 0.00628; gnomAD 0.00657 and 0.00666; gnomAD exomes 0.00769 and 0.01010; ExAC 0.00831; ESP Exome Variant Server 0.00833.
gnomAD v4.1: 11,754 of 1,208,559 alleles (0.97%); highest among the groups gnomAD compares: Middle Eastern, 2.6%; 45 homozygotes.

Submissions (7):

Labcorp Genetics (formerly Invitae), Labcorp
Classification: Benign for Glycogen storage disease IXa1. Last evaluated: 2026-02-02. Review status: criteria provided, single submitter. Criteria: Invitae Variant Classification Sherloc (09022015). Collection method: clinical testing. Allele origin: germline.

ARUP Laboratories, Molecular Genetics and Genomics, ARUP Laboratories
Classification: Benign. Last evaluated: 2025-06-18. Review status: criteria provided, single submitter. Criteria: ARUP Molecular Germline Variant Investigation Process 2024. Collection method: clinical testing. Allele origin: germline.

Fulgent Genetics
Classification: Likely benign for Glycogen storage disease IXa1. Last evaluated: 2022-03-03. Review status: criteria provided, single submitter. Criteria: ACMG Guidelines, 2015. Collection method: clinical testing. Allele origin: unknown.

GeneDx
Classification: Benign. Last evaluated: 2016-07-05. Review status: criteria provided, single submitter. Criteria: GeneDx Variant Classification (06012015). Collection method: clinical testing. Allele origin: germline. Affected: yes.
Comment: This variant is considered likely benign or benign based on one or more of the following criteria: it is a conservative change, it occurs at a poorly conserved position in the protein, it is predicted to be benign by multiple in silico algorithms, and/or has population frequency not consistent with disease.

Breakthrough Genomics
Classification: Benign. Review status: criteria provided, single submitter. Criteria: ACMG Guidelines, 2015. Collection method: not provided. Allele origin: germline. Inheritance: X-linked inheritance. Affected: yes.

PreventionGenetics, part of Exact Sciences
Classification: Benign. Review status: criteria provided, single submitter. Criteria: ACMG Guidelines, 2015. Collection method: clinical testing. Allele origin: germline.

Mayo Clinic Laboratories, Mayo Clinic
Classification: Likely benign. Last evaluated: 2017-05-03. Review status: no assertion criteria provided. Collection method: clinical testing. Allele origin: unknown. Not counted in ClinVar's aggregate classification.